The following is an entry in ClinVar:

ClinVar aggregate classification (germline): Uncertain significance (1 of 4 stars; one submission).

Conditions:
Microcephalic osteodysplastic dysplasia, Saul-Wilson type. Also called: Saul-Wilson Syndrome; MICROCEPHALIC OSTEODYSPLASTIC DYSPLASIA. Identifiers: Orphanet 85172, MedGen C4509877, MONDO:0019407, OMIM 618150.
COG4-congenital disorder of glycosylation. Also called: CONGENITAL DISORDER OF GLYCOSYLATION, TYPE IIj; CDG IIj; COG4-CDG. Identifiers: Orphanet 263501, MedGen C4303552, MONDO:0013281, OMIM 613489.

Submission:

Juno Genomics, Hangzhou Juno Genomics, Inc
Classification: Uncertain significance for COG4-congenital disorder of glycosylation; Microcephalic osteodysplastic dysplasia, Saul-Wilson type. Review status: criteria provided, single submitter. Criteria: ACMG Guidelines, 2015. Collection method: clinical testing. Allele origin: germline.
Comment: Absent from controls (or at extremely low frequency if recessive) in Genome Aggregation Database.;Multiple lines of computational evidence support a deleterious effect on the gene or gene product.

NM_015386.3(COG4):c.728T>C (p.Leu243Pro)

Gene: COG4 (component of oligomeric golgi complex 4; minus strand). Cytogenetic location: 16q22.1.
Variant type: single nucleotide variant.
Coding change: c.728T>C on transcript NM_015386.3 (MANE Select); coding-DNA position 728, T replaced by C.
Protein change: p.Leu243Pro; replaces leucine 243 with proline.
Molecular consequence: missense variant. On other transcripts: non-coding transcript variant (1).
Genome position (GRCh38, 1-based): chr16:70,512,249, A>G on the plus strand (T>C on the coding strand, the complement: COG4 is on the minus strand). VCF-style: chr16-70512249-A-G. GRCh37 (hg19) VCF-style: chr16-70546152-A-G.
Other names: c.716T>C, p.Leu239Pro (NM_001195139.2); c.302T>C, p.Leu101Pro (NM_001365426.1); short protein forms L101P, L239P, L243P.
Identifiers: ClinVar variation 5005627 (VCV005005627.2).